The following is an entry in ClinVar:

NM_020822.3(KCNT1):c.2841+5G>A

Gene: KCNT1 (potassium sodium-activated channel subfamily T member 1; plus strand). Cytogenetic location: 9q34.3.
Variant type: single nucleotide variant.
Coding change: c.2841+5G>A on transcript NM_020822.3 (MANE Select); 5 bases into the intron after coding-DNA position 2841, G replaced by A.
Molecular consequence: intron variant.
Genome position (GRCh38, 1-based): chr9:135,779,475, G>A. VCF-style: chr9-135779475-G-A. GRCh37 (hg19) VCF-style: chr9-138671321-G-A.
Other names: c.2706+5G>A (NM_001272003.2).
Identifiers: ClinVar variation 1940233 (VCV001940233.5), dbSNP rs1336622900, ClinGen allele CA860993826.
Genomic context (GRCh38, chr9:135,779,475, plus strand): 5'-TCATGCAGTTCCGCGCCAAGGACAGCTACTCTCTGGCTCTTTCCAAACTAGAAAAGGTGA[G>A]CAGCCCTGCCCCGTGCCAGCTGCCACCCCAGAATCCCAGAAAGAGTGGGAGAAAGGGGCT-3'

ClinVar aggregate classification (germline): Uncertain significance (1 of 4 stars; one submission).

Conditions:
Autosomal dominant nocturnal frontal lobe epilepsy 5. Also called: Epilepsy, nocturnal frontal lobe, 5; CILIARY DYSKINESIA, PRIMARY, 28, WITHOUT SITUS INVERSUS; CILIARY DYSKINESIA, PRIMARY, 28, WITH SITUS INVERSUS; KCNT1-Related Epilepsy. Identifiers: Orphanet 98784, MedGen C3554306, MONDO:0014002, OMIM 615005.
Developmental and epileptic encephalopathy, 14 (DEE14). Also called: Early infantile epileptic encephalopathy 14. Identifiers: Orphanet 293181, MedGen C3554195, MONDO:0013989, OMIM 614959.

Allele frequency attached by ClinVar (database versions not stated): TOPMed below 0.00001; gnomAD 0.00001; gnomAD exomes below 0.00001.
gnomAD v4.1: 2 of 1,597,656 alleles (0.00013%); highest among the groups gnomAD compares: Non-Finnish European, 0.00017%; no homozygotes.

Submission:

Labcorp Genetics (formerly Invitae), Labcorp
Classification: Uncertain significance for Autosomal dominant nocturnal frontal lobe epilepsy 5; Developmental and epileptic encephalopathy, 14. Last evaluated: 2022-09-07. Review status: criteria provided, single submitter. Criteria: Invitae Variant Classification Sherloc (09022015). Collection method: clinical testing. Allele origin: germline.
Comment: This sequence change falls in intron 24 of the KCNT1 gene. It does not directly change the encoded amino acid sequence of the KCNT1 protein. It affects a nucleotide within the consensus splice site. This variant is not present in population databases (gnomAD no frequency). This variant has not been reported in the literature in individuals affected with KCNT1-related conditions. Variants that disrupt the consensus splice site are a relatively common cause of aberrant splicing (PMID: 17576681, 9536098). Algorithms developed to predict the effect of sequence changes on RNA splicing suggest that this variant may disrupt the consensus splice site. In summary, the available evidence is currently insufficient to determine the role of this variant in disease. Therefore, it has been classified as a Variant of Uncertain Significance.

Literature cited by the submitters: PubMed 17576681; PubMed 9536098.